The following is an entry in ClinVar:

NM_014363.6(SACS):c.2475dup (p.Val826fs)

Gene: SACS (sacsin molecular chaperone; minus strand). Cytogenetic location: 13q12.12.
Variant type: Duplication.
Coding change: c.2475dup on transcript NM_014363.6 (MANE Select); coding-DNA position 2475, one base duplicated (A; older notation c.2475dupA).
Protein change: p.Val826fs; shifts the reading frame from valine 826.
Molecular consequence: frameshift variant.
Genome position (GRCh38, 1-based): chr13:23,341,401, T duplicated on the plus strand (A on the coding strand, the reverse complement: SACS is on the minus strand). VCF-style (leftmost placement, unchanged base first): chr13-23341400-C-CT. GRCh37 (hg19) VCF-style: chr13-23915539-C-CT.
Other names: c.2034dup, p.Val679fs (NM_001278055.2); short protein forms V826fs, V679fs.
Identifiers: ClinVar variation 422825 (VCV000422825.2), dbSNP rs1555252909, ClinGen allele CA16619620.

ClinVar aggregate classification (germline): Likely pathogenic (1 of 4 stars; one submission).

Submission:

GeneDx
Classification: Likely pathogenic. Last evaluated: 2016-12-19. Review status: criteria provided, single submitter. Criteria: GeneDx Variant Classification (06012015). Collection method: clinical testing. Allele origin: germline. Affected: yes.
Comment: The c.2475dupA variant in the SACS gene has not been reported previously as a pathogenic variant nor as a benign variant, to our knowledge. The c.2475dupA variant causes a frameshift starting with codon Valine 826, changes this amino acid to a Serine residue, and creates a premature Stop codon at position 6 of the new reading frame, denoted p.Val826SerfsX6. This variant replaces the last 3754 amino acids with 5 incorrect residues and is predicted to cause loss of normal protein function through protein truncation. The lost region includes the HEPN domain, which is important for protein function. Additionally, protein truncating pathogenic variants downstream of this variant have been reported in the Human Gene Mutation Database in association with SACS-related disorders (Stenson et al., 2014), supporting the pathogenicity of more upstream truncating variants. The c.2475dupA variant was not observed in approximately 6500 individuals of European and African American ancestry in the NHLBI Exome Sequencing Project, indicating it is not a common benign variant in these populations. Therefore, we interpret c.2475dupA as a likely pathogenic variant.